The following is an entry in ClinVar:

NM_005297.4(MCHR1):c.854C>T (p.Pro285Leu)

Gene: MCHR1 (melanin concentrating hormone receptor 1; plus strand). Cytogenetic location: 22q13.2.
Variant type: single nucleotide variant.
Coding change: c.854C>T on transcript NM_005297.4 (MANE Select); coding-DNA position 854, C replaced by T.
Protein change: p.Pro285Leu; replaces proline 285 with leucine.
Molecular consequence: missense variant.
Genome position (GRCh38, 1-based): chr22:40,681,720, C>T. VCF-style: chr22-40681720-C-T. GRCh37 (hg19) VCF-style: chr22-41077724-C-T.
Other names: short protein forms P285L.
Identifiers: ClinVar variation 4981446 (VCV004981446.1).
Genomic context (GRCh38, chr22:40,681,720, plus strand): 5'-TCTTTGTGTGCTGGGCACCCTACTATGTGCTACAGCTGACCCAGTTGTCCATCAGCCGCC[C>T]GACCCTCACCTTTGTCTACTTATACAATGCGGCCATCAGCTTGGGCTATGCCAACAGCTG-3'
Protein context (NP_005288.4, residues 275-295): LQLTQLSISR[Pro285Leu]TLTFVYLYNA

ClinVar aggregate classification (germline): Uncertain significance (1 of 4 stars; one submission).

Conditions:
MCHR1-related disorder. Also called: MCHR1-related condition.

Submission:

PreventionGenetics, part of Exact Sciences
Classification: Uncertain significance for MCHR1-related condition. Last evaluated: 2025-04-23. Review status: criteria provided, single submitter. Criteria: ACMG Guidelines, 2015. Collection method: clinical testing. Allele origin: germline.
Comment: The MCHR1 c.1061C>T variant is predicted to result in the amino acid substitution p.Pro354Leu. To our knowledge, this variant has not been reported in the literature. This variant is reported in 0.0056% of alleles in individuals of Latino descent in gnomAD. At this time, the clinical significance of this variant is uncertain due to the absence of conclusive functional and genetic evidence.